The following is an entry in ClinVar:

NM_001360.3(DHCR7):c.148G>A (p.Ala50Thr)

Gene: DHCR7 (7-dehydrocholesterol reductase; minus strand). Cytogenetic location: 11q13.4.
Variant type: single nucleotide variant.
Coding change: c.148G>A on transcript NM_001360.3 (MANE Select); coding-DNA position 148, G replaced by A.
Protein change: p.Ala50Thr; replaces alanine 50 with threonine.
Molecular consequence: missense variant.
Genome position (GRCh38, 1-based): chr11:71,444,166, C>T on the plus strand (G>A on the coding strand, the complement: DHCR7 is on the minus strand). VCF-style: chr11-71444166-C-T. GRCh37 (hg19) VCF-style: chr11-71155212-C-T.
Other names: c.148G>A, p.Ala50Thr (NM_001163817.2); short protein forms A50T.
Identifiers: ClinVar variation 2181696 (VCV002181696.1), dbSNP rs747103823, ClinGen allele CA6162678.

ClinVar aggregate classification (germline): Uncertain significance (1 of 4 stars; one submission).

Conditions:
Smith-Lemli-Opitz syndrome (SLOS). Also called: RSH SYNDROME; RUTLEDGE LETHAL MULTIPLE CONGENITAL ANOMALY SYNDROME; LETHAL ACRODYSGENITAL SYNDROME; POLYDACTYLY, SEX REVERSAL, RENAL HYPOPLASIA, AND UNILOBAR LUNG; 7-Dehydrocholesterol reductase deficiency. Identifiers: Orphanet 818, MedGen C0175694, MONDO:0010035, OMIM 270400.

Allele frequency attached by ClinVar (database versions not stated): gnomAD 0.00001; gnomAD exomes 0.00001; TOPMed 0.00003; ExAC 0.00005.
gnomAD v4.1: 21 of 1,608,482 alleles (0.0013%); highest among the groups gnomAD compares: Admixed American, 0.0034%; no homozygotes.

Submission:

Labcorp Genetics (formerly Invitae), Labcorp
Classification: Uncertain significance for Smith-Lemli-Opitz syndrome. Last evaluated: 2022-08-16. Review status: criteria provided, single submitter. Criteria: Invitae Variant Classification Sherloc (09022015). Collection method: clinical testing. Allele origin: germline.
Comment: This sequence change replaces alanine, which is neutral and non-polar, with threonine, which is neutral and polar, at codon 50 of the DHCR7 protein (p.Ala50Thr). This variant is present in population databases (rs747103823, gnomAD 0.006%). This variant has not been reported in the literature in individuals affected with DHCR7-related conditions. Advanced modeling of protein sequence and biophysical properties (such as structural, functional, and spatial information, amino acid conservation, physicochemical variation, residue mobility, and thermodynamic stability) performed at Invitae indicates that this missense variant is expected to disrupt DHCR7 protein function. In summary, the available evidence is currently insufficient to determine the role of this variant in disease. Therefore, it has been classified as a Variant of Uncertain Significance.